The following is an entry in ClinVar:

NM_053025.4(MYLK):c.3919T>C (p.Cys1307Arg)

Gene: MYLK (myosin light chain kinase; minus strand). Cytogenetic location: 3q21.1.
Variant type: single nucleotide variant.
Coding change: c.3919T>C on transcript NM_053025.4 (MANE Select); coding-DNA position 3919, T replaced by C.
Protein change: p.Cys1307Arg; replaces cysteine 1307 with arginine.
Molecular consequence: missense variant.
Genome position (GRCh38, 1-based): chr3:123,664,171, A>G on the plus strand (T>C on the coding strand, the complement: MYLK is on the minus strand). VCF-style: chr3-123664171-A-G. GRCh37 (hg19) VCF-style: chr3-123383018-A-G.
Other names: c.3391T>C, p.Cys1131Arg (NM_001321309.2); c.3712T>C, p.Cys1238Arg (NM_053026.4, NM_053028.4); c.3919T>C, p.Cys1307Arg (NM_053027.4); short protein forms C1131R, C1238R, C1307R.
Identifiers: ClinVar variation 1474386 (VCV001474386.8), dbSNP rs2108324120, ClinGen allele CA354229076.

ClinVar aggregate classification (germline): Uncertain significance (1 of 4 stars; one submission).

Conditions:
Aortic aneurysm, familial thoracic 7 (AAT7). Also called: AORTIC DISSECTION, FAMILIAL, WITH OR WITHOUT AORTIC ANEURYSM. Identifiers: MedGen C3151077, MONDO:0013418, OMIM 613780.

Submission:

Labcorp Genetics (formerly Invitae), Labcorp
Classification: Uncertain significance for Aortic aneurysm, familial thoracic 7. Last evaluated: 2021-07-08. Review status: criteria provided, single submitter. Criteria: Invitae Variant Classification Sherloc (09022015). Collection method: clinical testing. Allele origin: germline.
Comment: This sequence change replaces cysteine with arginine at codon 1307 of the MYLK protein (p.Cys1307Arg). The cysteine residue is highly conserved and there is a large physicochemical difference between cysteine and arginine. This variant is not present in population databases (ExAC no frequency). This variant has not been reported in the literature in individuals with MYLK-related conditions. Advanced modeling of protein sequence and biophysical properties (such as structural, functional, and spatial information, amino acid conservation, physicochemical variation, residue mobility, and thermodynamic stability) performed at Invitae indicates that this missense variant is not expected to disrupt MYLK protein function. In summary, the available evidence is currently insufficient to determine the role of this variant in disease. Therefore, it has been classified as a Variant of Uncertain Significance.